The following is an entry in ClinVar:

NM_020975.6(RET):c.1920C>T (p.Ala640=)

Gene: RET (ret proto-oncogene; plus strand). Cytogenetic location: 10q11.21.
Variant type: single nucleotide variant.
Coding change: c.1920C>T on transcript NM_020975.6 (MANE Select); coding-DNA position 1920, C replaced by T.
Protein change: p.Ala640=; no amino-acid change (alanine 640 retained).
Molecular consequence: synonymous variant. On other transcripts: intron variant (4).
Genome position (GRCh38, 1-based): chr10:43,114,520, C>T. VCF-style: chr10-43114520-C-T. GRCh37 (hg19) VCF-style: chr10-43609968-C-T.
Other names: c.1920C>T, p.Ala640= (NM_000323.2, NM_001406743.1, NM_001406744.1 and 4 more transcripts); c.1158C>T, p.Ala386= (NM_001355216.2); c.1791C>T, p.Ala597= (NM_001406761.1, NM_001406762.1, NM_001406764.1); c.1632C>T, p.Ala544= (NM_001406766.1, NM_001406767.1, NM_001406770.1); c.1524C>T, p.Ala508= (NM_001406769.1, NM_001406772.1); c.1482C>T, p.Ala494= (NM_001406771.1, NM_001406773.1); c.1395C>T, p.Ala465= (NM_001406774.1); c.1194C>T, p.Ala398= (NM_001406775.1, NM_001406776.1, NM_001406777.1 and 1 more transcripts); and 10 more.
Identifiers: ClinVar variation 136105 (VCV000136105.26), dbSNP rs149768519, ClinGen allele CA008434.

ClinVar aggregate classification (germline): Conflicting classifications of pathogenicity. Review status: criteria provided, conflicting classifications (1 of 4 stars). 12 submissions from 9 submitters: Uncertain significance (2); Benign (1); Likely benign (8). 1 of the submissions does not count toward it. Last evaluated 2025-12-20.

Conditions:
Pheochromocytoma. Also called: MAX-Related Hereditary Paraganglioma-Pheochromocytoma Syndrome. Identifiers: Orphanet 29072, MedGen C0031511, MONDO:0008233, OMIM 171300, HP:0002666.
Hirschsprung disease, susceptibility to, 1 (HSCR1). Also called: RET-Related Hirschsprung Disease. Identifiers: Orphanet 388, MedGen C3888239, MONDO:0007723, OMIM 142623.
Familial medullary thyroid carcinoma (MTC). Also called: Thyroid cancer, familial medullary; MTC, familial; Familial Medullary Thyroid Carcinoma (FMTC). Identifiers: Orphanet 653, Orphanet 99361, MedGen C1833921, MONDO:0007958, OMIM 155240.
Multiple endocrine neoplasia type 2B. Also called: MEN IIB; NEUROMATA, MUCOSAL, WITH ENDOCRINE TUMORS; WAGENMANN-FROBOESE SYNDROME; MULTIPLE ENDOCRINE NEOPLASIA, TYPE III; MULTIPLE ENDOCRINE NEOPLASIA, TYPE IIB; MEN 2B. Identifiers: Orphanet 247709, Orphanet 653, MedGen C0025269, MeSH D018814, MONDO:0008082, OMIM 162300.
Multiple endocrine neoplasia type 2A. Also called: Multiple Endocrine Neoplasia Type 2A (MEN2A); MULTIPLE ENDOCRINE NEOPLASIA, TYPE IIA; PTC SYNDROME; SIPPLE SYNDROME; MEN 2A; MEN-2A syndrome. Identifiers: Orphanet 247698, Orphanet 653, MedGen C0025268, MeSH D018813, MONDO:0008234, OMIM 171400.
RET-related disorder. Also called: RET-related disorders; RET-related condition; RET-related disease.
Hereditary cancer-predisposing syndrome. Also called: Tumor predisposition; Hereditary neoplastic syndrome; Hereditary Cancer Syndrome; Neoplastic Syndromes, Hereditary. Identifiers: Orphanet 140162, MedGen C0027672, MeSH D009386, MONDO:0015356.
Multiple endocrine neoplasia. Identifiers: Orphanet 276161, MedGen C0027662, MONDO:0017169.
Multiple endocrine neoplasia, type 2 (MEN2). Identifiers: Orphanet 653, MedGen C4048306, MONDO:0019003. Disease mechanism: gain of function.
Renal hypodysplasia/aplasia 1 (RHDA1). Also called: RENAL APLASIA; HEREDITARY RENAL APLASIA. Identifiers: Orphanet 411709, MedGen C1619700, MONDO:0024519, OMIM 191830.

Allele frequency attached by ClinVar (database versions not stated): ExAC 0.00002; TOPMed 0.00004; gnomAD exomes 0.00004 and 0.00003; gnomAD 0.00001 and 0.00002; ESP Exome Variant Server 0.00008.
gnomAD v4.1: 54 of 1,609,354 alleles (0.0034%); highest among the groups gnomAD compares: East Asian, 0.0067%; no homozygotes.

Submissions (12):

Labcorp Genetics (formerly Invitae), Labcorp
Classification: Likely benign for Multiple endocrine neoplasia, type 2. Last evaluated: 2025-12-20. Review status: criteria provided, single submitter. Criteria: Invitae Variant Classification Sherloc (09022015). Collection method: clinical testing. Allele origin: germline.

Myriad Genetics, Inc.
Classification: Benign for Multiple endocrine neoplasia type 2A. Last evaluated: 2025-02-26. Review status: criteria provided, single submitter. Criteria: Myriad Autosomal Dominant, Autosomal Recessive and X-Linked Classification Criteria (2023). Collection method: clinical testing. Allele origin: unknown.
Comment: This variant is considered benign. This variant is a silent/synonymous amino acid change and it is not expected to impact splicing.

Blueprint Genetics
Classification: Likely benign. Last evaluated: 2024-11-05. Review status: criteria provided, single submitter. Criteria: ACMG Guidelines, 2015. Collection method: clinical testing. Allele origin: germline.

All of Us Research Program, National Institutes of Health
Classification: Likely benign for Multiple endocrine neoplasia, type 2. Last evaluated: 2023-10-27. Review status: criteria provided, single submitter. Criteria: ACMG Guidelines, 2015. Collection method: clinical testing. Allele origin: germline. Inheritance: Autosomal dominant inheritance. Observed: 7 variant alleles, 7 heterozygotes.
Comment: This study involves interpretation of variants in research participants for the purpose of population health screening. Participant phenotype was not available at the time of variant classification. Additional details can be found in publication PMID: 35346344, PMCID: PMC8962531

Department of Pathology and Laboratory Medicine, Sinai Health System
Classification: Likely benign for Hirschsprung disease, susceptibility to, 1; Familial medullary thyroid carcinoma; Multiple endocrine neoplasia type 2B; Pheochromocytoma; Multiple endocrine neoplasia type 2A. Last evaluated: 2023-08-29. Review status: criteria provided, single submitter. Criteria: ACMG Guidelines, 2015. Collection method: clinical testing. Allele origin: germline. Affected: yes.

Color Diagnostics, LLC DBA Color Health
Classification: Likely benign for Multiple endocrine neoplasia, type 2. Last evaluated: 2022-11-17. Review status: criteria provided, single submitter. Criteria: ACMG Guidelines, 2015. Collection method: clinical testing. Allele origin: germline.

Illumina Laboratory Services, Illumina
Classification: Uncertain significance for Renal hypodysplasia/aplasia 1. Last evaluated: 2018-01-12. Review status: criteria provided, single submitter. Criteria: ICSL Variant Classification Criteria 13 December 2019. Collection method: clinical testing. Allele origin: germline.

Illumina Laboratory Services, Illumina
Classification: Likely benign for Multiple endocrine neoplasia. Last evaluated: 2018-01-12. Review status: criteria provided, single submitter. Criteria: ICSL Variant Classification Criteria 13 December 2019. Collection method: clinical testing. Allele origin: germline.
Comment: This variant was observed in the ICSL laboratory as part of a predisposition screen in an ostensibly healthy population. It had not been previously curated by ICSL or reported in the Human Gene Mutation Database (HGMD: prior to June 1st, 2018), and was therefore a candidate for classification through an automated scoring system. Utilizing variant allele frequency, disease prevalence and penetrance estimates, and inheritance mode, an automated score was calculated to assess if this variant is too frequent to cause the disease. Based on the score and internal cut-off values, a variant classified as likely benign is not then subjected to further curation. The score for this variant resulted in a classification of likely benign for this disease.

Illumina Laboratory Services, Illumina
Classification: Uncertain significance for Hirschsprung disease, susceptibility to, 1. Last evaluated: 2018-01-12. Review status: criteria provided, single submitter. Criteria: ICSL Variant Classification Criteria 13 December 2019. Collection method: clinical testing. Allele origin: germline.

Illumina Laboratory Services, Illumina
Classification: Likely benign for Pheochromocytoma. Last evaluated: 2018-01-12. Review status: criteria provided, single submitter. Criteria: ICSL Variant Classification Criteria 13 December 2019. Collection method: clinical testing. Allele origin: germline.
Comment: the same text as in the submission from Illumina Laboratory Services, Illumina above.

Ambry Genetics
Classification: Likely benign for Hereditary cancer-predisposing syndrome. Last evaluated: 2015-12-12. Review status: criteria provided, single submitter. Criteria: Ambry Variant Classification Scheme 2023. Collection method: clinical testing. Allele origin: germline.

PreventionGenetics, part of Exact Sciences
Classification: Likely benign for RET-related condition. Last evaluated: 2019-04-03. Review status: no assertion criteria provided. Collection method: clinical testing. Allele origin: germline. Not counted in ClinVar's aggregate classification.
Comment: This variant is classified as likely benign based on ACMG/AMP sequence variant interpretation guidelines (Richards et al. 2015 PMID: 25741868, with internal and published modifications).